The following is an entry in ClinVar:

NM_174889.5(NDUFAF2):c.36G>A (p.Trp12Ter)

Gene: NDUFAF2 (NADH:ubiquinone oxidoreductase complex assembly factor 2; plus strand). Cytogenetic location: 5q12.1.
Variant type: single nucleotide variant.
Coding change: c.36G>A on transcript NM_174889.5 (MANE Select); coding-DNA position 36, G replaced by A.
Protein change: p.Trp12Ter; replaces tryptophan 12 with a stop codon.
Molecular consequence: nonsense.
Genome position (GRCh38, 1-based): chr5:60,945,291, G>A. VCF-style: chr5-60945291-G-A. GRCh37 (hg19) VCF-style: chr5-60241118-G-A.
Other names: short protein forms W12*.
Identifiers: ClinVar variation 2890272 (VCV002890272.4), dbSNP rs1750415294, ClinGen allele CA359935528.

ClinVar aggregate classification (germline): Conflicting classifications of pathogenicity. Review status: criteria provided, conflicting classifications (1 of 4 stars). 2 submissions from 2 submitters: Pathogenic (1); Uncertain significance (1). Last evaluated 2024-03-25.

Conditions:
Mitochondrial complex I deficiency, nuclear type 10. Also called: Mitochondrial complex 1 deficiency, nuclear type 10. Identifiers: MedGen C4748768, MONDO:0032616, OMIM 618233.

Allele frequency attached by ClinVar (database versions not stated): gnomAD exomes below 0.00001; TOPMed below 0.00001.
gnomAD v4.1: 2 of 1,613,890 alleles (0.00012%); highest among the groups gnomAD compares: Non-Finnish European, 0.00017%; no homozygotes.

Submissions (2):

Genomic Medicine Center of Excellence, King Faisal Specialist Hospital and Research Centre
Classification: Uncertain significance for Mitochondrial complex I deficiency, nuclear type 10. Last evaluated: 2024-03-25. Review status: criteria provided, single submitter. Criteria: ACMG Guidelines, 2015. Collection method: clinical testing. Allele origin: germline.

Labcorp Genetics (formerly Invitae), Labcorp
Classification: Pathogenic. Last evaluated: 2024-01-24. Review status: criteria provided, single submitter. Criteria: Invitae Variant Classification Sherloc (09022015). Collection method: clinical testing. Allele origin: germline.
Comment: This sequence change creates a premature translational stop signal (p.Trp12*) in the NDUFAF2 gene. It is expected to result in an absent or disrupted protein product. Loss-of-function variants in NDUFAF2 are known to be pathogenic (PMID: 18180188). This variant is not present in population databases (gnomAD no frequency). This variant has not been reported in the literature in individuals affected with NDUFAF2-related conditions. For these reasons, this variant has been classified as Pathogenic.

Literature cited by the submitters: PubMed 18180188 (cited by Labcorp Genetics (formerly Invitae), Labcorp).